The following is an entry in ClinVar:

NM_000051.4(ATM):c.6952A>C (p.Lys2318Gln)

Genes: ATM (ATM serine/threonine kinase; plus strand), C11orf65 (chromosome 11 open reading frame 65; minus strand). Cytogenetic location: 11q22.3.
Variant type: single nucleotide variant.
Coding change: c.6952A>C on transcript NM_000051.4 (MANE Select); coding-DNA position 6952, A replaced by C.
Protein change: p.Lys2318Gln; replaces lysine 2318 with glutamine.
Molecular consequence: missense variant. On other transcripts: intron variant (2).
Genome position (GRCh38, 1-based): chr11:108,326,202, A>C. VCF-style: chr11-108326202-A-C. GRCh37 (hg19) VCF-style: chr11-108196929-A-C.
Other names: c.6952A>C, p.Lys2318Gln (NM_001351834.2); c.641-17131T>G (NM_001330368.2); c.*38+9018T>G (NM_001351110.2); short protein forms K2318Q.
Identifiers: ClinVar variation 481352 (VCV000481352.35), dbSNP rs1449259481, ClinGen allele CA382557330.
Genomic context (GRCh38, chr11:108,326,202, plus strand): 5'-GTATTCTGGGCAAAAAAGGAGCAGAGTCTTGCCCTGAGTATTCTCAAGCAAATGATCAAG[A>C]AGTTGGATGCCAGCTGTGCAGCGGTTTGTTTTTTTTATTGGCTGGATTAGTGTTTTACTG-3'
Protein context (NP_000042.3, residues 2308-2328): ALSILKQMIK[Lys2318Gln]LDASCAANNP

ClinVar aggregate classification (germline): Uncertain significance. Review status: criteria provided, multiple submitters, no conflicts (2 of 4 stars). 9 submissions from 9 submitters: Uncertain significance (8). 1 of the submissions does not count toward it. Last evaluated 2025-12-30.

Conditions:
Hereditary cancer-predisposing syndrome. Also called: Neoplastic Syndromes, Hereditary; Hereditary Cancer Syndrome; Tumor predisposition; Hereditary neoplastic syndrome. Identifiers: Orphanet 140162, MedGen C0027672, MeSH D009386, MONDO:0015356.
Ataxia-telangiectasia syndrome (AT). Also called: LOUIS-BAR SYNDROME; Cerebello-oculocutaneous telangiectasia; Immunodeficiency with ataxia telangiectasia; Ataxia-telangiectasia, complementation group D; AT, COMPLEMENTATION GROUP C; Ataxia-telangiectasia, complementation group E. Identifiers: Orphanet 100, MedGen C0004135, MONDO:0008840, OMIM 208900.
Hereditary breast ovarian cancer syndrome. Also called: Hereditary breast and ovarian cancer; Breast and ovarian cancer; Hereditary breast and/or ovarian cancer syndrome; Hereditary breast and ovarian cancer syndrome; Hereditary breast and ovarian cancer syndrome (HBOC); BRCA1- and BRCA2-Associated Hereditary Breast and Ovarian Cancer. Identifiers: Orphanet 145, MedGen C0677776, MeSH D061325, MONDO:0003582. Disease mechanism: loss of function.

gnomAD v4.1: 15 of 1,613,966 alleles (0.00093%); highest among the groups gnomAD compares: East Asian, 0.033%; no homozygotes.

Submissions (9):

Women's Health and Genetics/Laboratory Corporation of America, LabCorp
Classification: Uncertain significance. Last evaluated: 2025-12-30. Review status: criteria provided, single submitter. Criteria: LabCorp Variant Classification Summary - May 2015. Collection method: clinical testing. Allele origin: germline.
Comment: Variant summary: ATM c.6952A>C (p.Lys2318Gln) results in a conservative amino acid change located in the PIK-related kinase, FAT domain (IPR003151) of the encoded protein sequence. Algorithms developed to predict the effect of missense changes on protein structure and function are either unavailable or do not agree on the potential impact of this missense change. The variant was absent in 251370 control chromosomes (gnomAD). The available data on variant occurrences in the general population are insufficient to allow any conclusion about variant significance. c.6952A>C has been observed in individuals affected with Breast Cancer (Kasugai_2022, Momozawa_2018). These reports do not provide unequivocal conclusions about association of the variant with Breast Cancer. To our knowledge, no experimental evidence demonstrating an impact on protein function has been reported. ClinVar contains an entry for this variant (Variation ID: 481352). Based on the evidence outlined above, the variant was classified as uncertain significance.

Labcorp Genetics (formerly Invitae), Labcorp
Classification: Uncertain significance for Ataxia-telangiectasia syndrome. Last evaluated: 2025-01-28. Review status: criteria provided, single submitter. Criteria: Invitae Variant Classification Sherloc (09022015). Collection method: clinical testing. Allele origin: germline.
Comment: This sequence change replaces lysine, which is basic and polar, with glutamine, which is neutral and polar, at codon 2318 of the ATM protein (p.Lys2318Gln). This variant is not present in population databases (gnomAD no frequency). This missense change has been observed in individual(s) with breast cancer (PMID: 30287823, 35218119). ClinVar contains an entry for this variant (Variation ID: 481352). Invitae Evidence Modeling of protein sequence and biophysical properties (such as structural, functional, and spatial information, amino acid conservation, physicochemical variation, residue mobility, and thermodynamic stability) indicates that this missense variant is not expected to disrupt ATM protein function with a negative predictive value of 95%. In summary, the available evidence is currently insufficient to determine the role of this variant in disease. Therefore, it has been classified as a Variant of Uncertain Significance.

Ambry Genetics
Classification: Uncertain significance for Hereditary cancer-predisposing syndrome. Last evaluated: 2024-12-19. Review status: criteria provided, single submitter. Criteria: Ambry Variant Classification Scheme 2023. Collection method: clinical testing. Allele origin: germline.
Comment: The p.K2318Q variant (also known as c.6952A>C), located in coding exon 46 of the ATM gene, results from an A to C substitution at nucleotide position 6952. The lysine at codon 2318 is replaced by glutamine, an amino acid with similar properties. This amino acid position is well conserved in available vertebrate species. In addition, the in silico prediction for this alteration is inconclusive. Based on the available evidence, the clinical significance of this variant remains unclear.

Hereditary Cancer Laboratory, Hospital Universitario 12 de Octubre
Classification: Uncertain significance for Hereditary cancer-predisposing syndrome. Last evaluated: 2024-12-19. Review status: criteria provided, single submitter. Criteria: ACMG Guidelines, 2015. Collection method: clinical testing. Allele origin: germline.
Comment: PM2

Sema4
Classification: Uncertain significance for Hereditary cancer-predisposing syndrome. Last evaluated: 2021-09-16. Review status: criteria provided, single submitter. Criteria: Sema4 Curation Guidelines. Collection method: curation. Allele origin: germline.
Comment: The ATM c.6952A>C (p.K2318Q) variant has been reported in individuals with breast cancer, but was also reported in healthy controls (PMID: 30287823). It was not observed in the large and broad cohorts of the Genome Aggregation Database (PMID: 32461654). This variant has been reported in ClinVar (Variation ID: 481352). Functional studies have not been performed, and in silico predictions of the variant's effect on protein function are inconclusive. The evidence is insufficient to meet ACMG/AMP criteria for classifying the variant as benign or pathogenic. Thus, the clinical significance of this variant is currently uncertain.

GeneDx
Classification: Uncertain significance. Last evaluated: 2019-06-07. Review status: criteria provided, single submitter. Criteria: GeneDx Variant Classification Process June 2021. Collection method: clinical testing. Allele origin: germline. Affected: yes.
Comment: Not observed in large population cohorts (Lek et al., 2016); In silico analysis, which includes protein predictors and evolutionary conservation, supports that this variant does not alter protein structure/function; This variant is associated with the following publications: (PMID: 30287823)

Cancer Genomics Group, Japanese Foundation For Cancer Research
Classification: Uncertain significance for Hereditary breast and ovarian cancer syndrome. Last evaluated: 2019-05-01. Review status: criteria provided, single submitter. Criteria: ACMG Guidelines, 2015. Collection method: research. Allele origin: germline. Affected: yes.

Color Diagnostics, LLC DBA Color Health
Classification: Uncertain significance for Hereditary cancer-predisposing syndrome. Last evaluated: 2019-04-09. Review status: criteria provided, single submitter. Criteria: ACMG Guidelines, 2015. Collection method: clinical testing. Allele origin: germline.

Natera, Inc.
Classification: Uncertain significance for Ataxia-telangiectasia. Last evaluated: 2021-07-15. Review status: no assertion criteria provided. Collection method: clinical testing. Allele origin: germline. Not counted in ClinVar's aggregate classification.

Literature cited by the submitters: PubMed 30287823 (cited by 4 submitters); PubMed 35218119 (cited by Women's Health and Genetics/Laboratory Corporation of America, LabCorp and Labcorp Genetics (formerly Invitae), Labcorp).